The following is an entry in ClinVar:

NM_003038.5(SLC1A4):c.1462del (p.Glu488fs)

Gene: SLC1A4 (solute carrier family 1 member 4; plus strand). Cytogenetic location: 2p14.
Variant type: Deletion.
Coding change: c.1462del on transcript NM_003038.5 (MANE Select); coding-DNA position 1462, one base deleted (G; older notation c.1462delG).
Protein change: p.Glu488fs; shifts the reading frame from glutamic acid 488.
Molecular consequence: frameshift variant.
Genome position (GRCh38, 1-based): chr2:65,021,009, G deleted; the last of 2 consecutive G bases (chr2:65,021,008-65,021,009); deleting either gives the same sequence. VCF-style (leftmost placement, unchanged base first): chr2-65021007-AG-A. GRCh37 (hg19) VCF-style: chr2-65248141-AG-A.
Other names: c.568del, p.Glu190fs (NM_001193493.2); c.802del, p.Glu268fs (NM_001348406.2, NM_001348407.2); short protein forms E190fs, E268fs, E488fs.
Identifiers: ClinVar variation 3357668 (VCV003357668.1).
Genomic context (GRCh38, chr2:65,021,007, plus strand): 5'-ATGCCCTGGGTGCAGGCATTCTCCACCACCTGAATCAGAAGGCAACAAAGAAAGGCGAGC[AG>A]GAACTTGCTGAGGTGAAAGTGGAAGCCATCCCCAACTGCAAGTCTGAGGAGGAGACATCG-3'

ClinVar aggregate classification (germline): Uncertain significance (0 of 4 stars; one submission).

Conditions:
SLC1A4-related disorder. Also called: SLC1A4-related condition.

Submission:

PreventionGenetics, part of Exact Sciences
Classification: Uncertain significance for SLC1A4-related condition. Last evaluated: 2024-08-24. Review status: no assertion criteria provided. Collection method: clinical testing. Allele origin: germline.
Comment: The SLC1A4 c.1462delG variant is predicted to result in a frameshift and premature protein termination (p.Glu488Asnfs*5). This variant resides in the last exon of the SLC1A4 gene, and it is possible that it may escape nonsense mediated decay. To our knowledge, this variant has not been reported in the literature and only one truncating variant, classified as a variant of uncertain significance, has been reported downstream of the SLC1A4 c.1462del variant in ClinVar (p.Ser507Ter). This variant is reported in 0.0028% of alleles in individuals of Latino descent in gnomAD. Although we suspect that this variant may be pathogenic, at this time, the clinical significance of this variant is uncertain due to the absence of conclusive functional and genetic evidence.